The following is an entry in ClinVar:

NM_153717.3(EVC):c.1648C>G (p.Pro550Ala)

Gene: EVC (EvC ciliary complex subunit 1; plus strand). Cytogenetic location: 4p16.2.
Variant type: single nucleotide variant.
Coding change: c.1648C>G on transcript NM_153717.3 (MANE Select); coding-DNA position 1648, C replaced by G.
Protein change: p.Pro550Ala; replaces proline 550 with alanine.
Molecular consequence: missense variant.
Genome position (GRCh38, 1-based): chr4:5,783,636, C>G. VCF-style: chr4-5783636-C-G. GRCh37 (hg19) VCF-style: chr4-5785363-C-G.
Other names: c.1648C>G, p.Pro550Ala (NM_001306090.2); short protein forms P550A.
Identifiers: ClinVar variation 1960836 (VCV001960836.5), dbSNP rs778234206, ClinGen allele CA2836208.

ClinVar aggregate classification (germline): Uncertain significance (1 of 4 stars; one submission).

Conditions:
Ellis-van Creveld syndrome (EVC). Also called: EVC-Related Ellis-van Creveld Syndrome; EVC2-Related Ellis-van Creveld Syndrome; MESOECTODERMAL DYSPLASIA; Chondroectodermal dysplasia. Identifiers: Orphanet 289, MedGen C0013903, MONDO:0009162, OMIM 225500.
Curry-Hall syndrome (WAD). Also called: WEYERS ACRODENTAL DYSOSTOSIS. Identifiers: Orphanet 952, MedGen C0457013, MONDO:0008673, OMIM 193530.

Allele frequency attached by ClinVar (database versions not stated): gnomAD exomes below 0.00001; ExAC 0.00001.
gnomAD v4.1: 1 of 1,614,178 alleles (0.000062%); highest among the groups gnomAD compares: South Asian, 0.0011%; no homozygotes.

Submission:

Labcorp Genetics (formerly Invitae), Labcorp
Classification: Uncertain significance for Curry-Hall syndrome; Ellis-van Creveld syndrome. Last evaluated: 2022-11-15. Review status: criteria provided, single submitter. Criteria: Invitae Variant Classification Sherloc (09022015). Collection method: clinical testing. Allele origin: germline.
Comment: This sequence change replaces proline, which is neutral and non-polar, with alanine, which is neutral and non-polar, at codon 550 of the EVC protein (p.Pro550Ala). This variant is present in population databases (rs778234206, gnomAD 0.003%). This variant has not been reported in the literature in individuals affected with EVC-related conditions. Algorithms developed to predict the effect of missense changes on protein structure and function (SIFT, PolyPhen-2, Align-GVGD) all suggest that this variant is likely to be tolerated. In summary, the available evidence is currently insufficient to determine the role of this variant in disease. Therefore, it has been classified as a Variant of Uncertain Significance.